The following is an entry in ClinVar:

ClinVar aggregate classification (germline): Uncertain significance. Review status: criteria provided, multiple submitters, no conflicts (2 of 4 stars). 2 submissions from 2 submitters: Uncertain significance (2). Last evaluated 2025-07-28.

Conditions:
Inborn genetic diseases. Identifiers: MedGen C0950123, MeSH D030342.

Allele frequency attached by ClinVar (database versions not stated): TOPMed 0.00001.

Submissions (2):

Labcorp Genetics (formerly Invitae), Labcorp
Classification: Uncertain significance. Last evaluated: 2025-07-28. Review status: criteria provided, single submitter. Criteria: Invitae Variant Classification Sherloc (09022015). Collection method: clinical testing. Allele origin: germline.
Comment: This sequence change replaces proline, which is neutral and non-polar, with alanine, which is neutral and non-polar, at codon 1799 of the TCF20 protein (p.Pro1799Ala). This variant is not present in population databases (gnomAD no frequency). This variant has not been reported in the literature in individuals affected with TCF20-related conditions. ClinVar contains an entry for this variant (Variation ID: 2229087). An algorithm developed to predict the effect of missense changes on protein structure and function (PolyPhen-2) suggests that this variant is likely to be tolerated. In summary, the available evidence is currently insufficient to determine the role of this variant in disease. Therefore, it has been classified as a Variant of Uncertain Significance.

Ambry Genetics
Classification: Uncertain significance for Inborn genetic diseases. Last evaluated: 2021-01-27. Review status: criteria provided, single submitter. Criteria: Ambry Variant Classification Scheme 2023. Collection method: clinical testing. Allele origin: germline.
Comment: The c.5395C>G (p.P1799A) alteration is located in exon 1 (coding exon 1) of the TCF20 gene. This alteration results from a C to G substitution at nucleotide position 5395, causing the proline (P) at amino acid position 1799 to be replaced by an alanine (A). The p.P1799A alteration is predicted to be tolerated by in silico analysis. Based on insufficient or conflicting evidence, the clinical significance of this alteration remains unclear.

NM_001378418.1(TCF20):c.5395C>G (p.Pro1799Ala)

Gene: TCF20 (transcription factor 20; minus strand). Cytogenetic location: 22q13.2.
Variant type: single nucleotide variant.
Coding change: c.5395C>G on transcript NM_001378418.1 (MANE Select); coding-DNA position 5395, C replaced by G.
Protein change: p.Pro1799Ala; replaces proline 1799 with alanine.
Molecular consequence: missense variant.
Genome position (GRCh38, 1-based): chr22:42,209,911, G>C on the plus strand (C>G on the coding strand, the complement: TCF20 is on the minus strand). VCF-style: chr22-42209911-G-C. GRCh37 (hg19) VCF-style: chr22-42605917-G-C.
Other names: c.5395C>G, p.Pro1799Ala (NM_005650.4, NM_181492.3); short protein forms P1799A.
Identifiers: ClinVar variation 2229087 (VCV002229087.4), dbSNP rs765741807, ClinGen allele CA411781524.
Genomic context (GRCh38, chr22:42,209,911, plus strand): 5'-TTTCACTGCTGCCCTCAGTGGCTGCTTTTTTACAAGGGAGCCCCCTGGACAGGGACCGAG[G>C]GCCTCCACCACAGTCTTCCGAGCGGTGGCGCCGCTTAAACCTGGGGTGTGCGGCCAGGCT-3'
Protein context (NP_001365347.1, residues 1789-1809): RHRSEDCGGG[Pro1799Ala]RSLSRGLPCK